The following is an entry in ClinVar:

ClinVar aggregate classification (germline): Uncertain significance (1 of 4 stars; one submission).

Conditions:
Inborn genetic diseases. Identifiers: MedGen C0950123, MeSH D030342.

Allele frequency attached by ClinVar (database versions not stated): gnomAD exomes below 0.00001.
gnomAD v4.1: 5 of 1,613,702 alleles (0.00031%); highest among the groups gnomAD compares: Non-Finnish European, 0.00042%; no homozygotes.

Submission:

Ambry Genetics
Classification: Uncertain significance for Inborn genetic diseases. Last evaluated: 2022-01-28. Review status: criteria provided, single submitter. Criteria: Ambry Variant Classification Scheme 2023. Collection method: clinical testing. Allele origin: germline.
Comment: The p.Y467C variant (also known as c.1400A>G), located in coding exon 15 of the ERCC2 gene, results from an A to G substitution at nucleotide position 1400. The tyrosine at codon 467 is replaced by cysteine, an amino acid with highly dissimilar properties. This amino acid position is conserved. In addition, this alteration is predicted to be deleterious by in silico analysis. Since supporting evidence is limited at this time, the clinical significance of this alteration remains unclear.

NM_000400.4(ERCC2):c.1400A>G (p.Tyr467Cys)

Gene: ERCC2 (ERCC excision repair 2, TFIIH core complex helicase subunit; minus strand). Cytogenetic location: 19q13.32.
Variant type: single nucleotide variant.
Coding change: c.1400A>G on transcript NM_000400.4 (MANE Select); coding-DNA position 1400, A replaced by G.
Protein change: p.Tyr467Cys; replaces tyrosine 467 with cysteine.
Molecular consequence: missense variant.
Genome position (GRCh38, 1-based): chr19:45,357,349, T>C on the plus strand (A>G on the coding strand, the complement: ERCC2 is on the minus strand). VCF-style: chr19-45357349-T-C. GRCh37 (hg19) VCF-style: chr19-45860607-T-C.
Other names: short protein forms Y467C.
Identifiers: ClinVar variation 1771781 (VCV001771781.2), dbSNP rs2514012570, ClinGen allele CA406367228.
Genomic context (GRCh38, chr19:45,357,349, plus strand): 5'-CGTGCCAGCGTCATGGTGAAGGTTGCCATGGTGACGGGGTGGAAGTCCAGGATCTTGGGG[T>C]AGATGTCCAGCGGGGACAGTGTCTGTGGCGGGACAGTGGGAGGGATCTCAGCAGGACTGG-3'
Protein context (NP_000391.1, residues 457-477): TSGTLSPLDI[Tyr467Cys]PKILDFHPVT